The following is an entry in ClinVar:

ClinVar aggregate classification (germline): Benign. Review status: criteria provided, multiple submitters, no conflicts (2 of 4 stars). 6 submissions from 6 submitters: Benign (5). 1 of the submissions does not count toward it. Last evaluated 2026-01-05.

Conditions:
EPB41-related disorder. Also called: EPB41-related condition.
Elliptocytosis 1 (EL1). Also called: PROTEIN 4.1 OF ERYTHROCYTE MEMBRANE, DEFECT OF; ELLIPTOCYTOSIS, RHESUS-LINKED TYPE; 4.1- TRAIT; 4.1-MINUS TRAIT. Identifiers: Orphanet 288, MedGen C2678497, MONDO:0012731, OMIM 611804.

Allele frequency attached by ClinVar (database versions not stated): ESP Exome Variant Server 0.00062; gnomAD exomes 0.00427 and 0.01441; gnomAD 0.00648 and 0.00727; TOPMed 0.00972; ExAC 0.01139; 1000 Genomes Project 30x 0.01733; 1000 Genomes Project 0.01797.
gnomAD v4.1: 7,337 of 1,614,098 alleles (0.45%); highest among the groups gnomAD compares: Admixed American, 6.6%; 279 homozygotes.

Submissions (6):

Labcorp Genetics (formerly Invitae), Labcorp
Classification: Benign. Last evaluated: 2026-01-05. Review status: criteria provided, single submitter. Criteria: Invitae Variant Classification Sherloc (09022015). Collection method: clinical testing. Allele origin: germline.

ARUP Laboratories, Molecular Genetics and Genomics, ARUP Laboratories
Classification: Benign for Elliptocytosis 1. Last evaluated: 2025-07-17. Review status: criteria provided, single submitter. Criteria: ARUP Molecular Germline Variant Investigation Process 2024. Collection method: clinical testing. Allele origin: germline.

Mayo Clinic Laboratories, Mayo Clinic
Classification: Benign. Last evaluated: 2022-06-03. Review status: criteria provided, single submitter. Criteria: ACMG Guidelines, 2015. Collection method: clinical testing. Allele origin: germline. Observed: 48 variant alleles.
Comment: BA1, BS2, BP4, BP7

GeneDx
Classification: Benign. Last evaluated: 2021-06-19. Review status: criteria provided, single submitter. Criteria: GeneDx Variant Classification Process June 2021. Collection method: clinical testing. Allele origin: germline. Affected: yes.

Breakthrough Genomics
Classification: Benign. Review status: criteria provided, single submitter. Criteria: ACMG Guidelines, 2015. Collection method: not provided. Allele origin: germline. Inheritance: Autosomal dominant inheritance. Affected: yes.

PreventionGenetics, part of Exact Sciences
Classification: Benign for EPB41-related condition. Last evaluated: 2019-08-28. Review status: no assertion criteria provided. Collection method: clinical testing. Allele origin: germline. Not counted in ClinVar's aggregate classification.
Comment: This variant is classified as benign based on ACMG/AMP sequence variant interpretation guidelines (Richards et al. 2015 PMID: 25741868, with internal and published modifications).

NM_001376013.1(EPB41):c.24G>A (p.Val8=)

Gene: EPB41 (erythrocyte membrane protein band 4.1; plus strand). Cytogenetic location: 1p35.3.
Variant type: single nucleotide variant.
Coding change: c.24G>A on transcript NM_001376013.1 (MANE Select); coding-DNA position 24, G replaced by A.
Protein change: p.Val8=; no amino-acid change (valine 8 retained).
Molecular consequence: synonymous variant. On other transcripts: 5 prime UTR variant (10).
Genome position (GRCh38, 1-based): chr1:28,987,461, G>A. VCF-style: chr1-28987461-G-A. GRCh37 (hg19) VCF-style: chr1-29313973-G-A.
Other names: p.Val8=; c.24G>A (NM_001166005.1); c.24G>A, p.Val8= (NM_001166005.2, NM_001166006.2, NM_001376014.1 and 8 more transcripts); c.-604G>A (NM_001166007.2, NM_001376022.1, NM_001376023.1 and 5 more transcripts); c.-684G>A (NM_004437.4, NM_203342.3).
Identifiers: ClinVar variation 811014 (VCV000811014.29), dbSNP rs75060926, ClinGen allele CA724146.